The following is an entry in ClinVar:

NM_024675.4(PALB2):c.1918T>G (p.Ser640Ala)

Gene: PALB2 (partner and localizer of BRCA2; minus strand). Cytogenetic location: 16p12.2.
Variant type: single nucleotide variant.
Coding change: c.1918T>G on transcript NM_024675.4 (MANE Select); coding-DNA position 1918, T replaced by G.
Protein change: p.Ser640Ala; replaces serine 640 with alanine.
Molecular consequence: missense variant.
Genome position (GRCh38, 1-based): chr16:23,630,236, A>C on the plus strand (T>G on the coding strand, the complement: PALB2 is on the minus strand). VCF-style: chr16-23630236-A-C. GRCh37 (hg19) VCF-style: chr16-23641557-A-C.
Other names: short protein forms S640A.
Identifiers: ClinVar variation 232030 (VCV000232030.24), dbSNP rs876659058, ClinGen allele CA10579991.

ClinVar aggregate classification (germline): Conflicting classifications of pathogenicity. Review status: criteria provided, conflicting classifications (1 of 4 stars). 7 submissions from 7 submitters: Uncertain significance (5); Likely benign (2). Last evaluated 2025-12-29.

Conditions:
Familial cancer of breast. Also called: BREAST CANCER, FAMILIAL; hereditary breast carcinoma; Hereditary breast cancer. Identifiers: Orphanet 227535, MedGen C0346153, MONDO:0016419, OMIM 114480. Disease mechanism: loss of function.
Hereditary cancer-predisposing syndrome. Also called: Tumor predisposition; Hereditary neoplastic syndrome; Hereditary Cancer Syndrome; Neoplastic Syndromes, Hereditary. Identifiers: Orphanet 140162, MedGen C0027672, MeSH D009386, MONDO:0015356.
Fanconi anemia complementation group N. Also called: PALB2-Related Fanconi Anemia. Identifiers: Orphanet 84, MedGen C1835817, MONDO:0012565, OMIM 610832. Disease mechanism: loss of function.
Pancreatic cancer, susceptibility to, 3. Identifiers: Orphanet 1333, MedGen C3150547, MONDO:0013236, OMIM 613348.

Allele frequency attached by ClinVar (database versions not stated): gnomAD exomes below 0.00001.
gnomAD v4.1: 3 of 1,614,010 alleles (0.00019%); highest among the groups gnomAD compares: Middle Eastern, 0.033%; no homozygotes.

Submissions (7):

Ambry Genetics
Classification: Likely benign for Hereditary cancer-predisposing syndrome. Last evaluated: 2025-12-29. Review status: criteria provided, single submitter. Criteria: Ambry Variant Classification Scheme 2023. Collection method: clinical testing. Allele origin: germline.

Labcorp Genetics (formerly Invitae), Labcorp
Classification: Uncertain significance for Familial cancer of breast. Last evaluated: 2025-07-06. Review status: criteria provided, single submitter. Criteria: Invitae Variant Classification Sherloc (09022015). Collection method: clinical testing. Allele origin: germline.
Comment: This sequence change replaces serine, which is neutral and polar, with alanine, which is neutral and non-polar, at codon 640 of the PALB2 protein (p.Ser640Ala). This variant is present in population databases (no rsID available, gnomAD no frequency). This variant has not been reported in the literature in individuals affected with PALB2-related conditions. ClinVar contains an entry for this variant (Variation ID: 232030). Invitae Evidence Modeling of protein sequence and biophysical properties (such as structural, functional, and spatial information, amino acid conservation, physicochemical variation, residue mobility, and thermodynamic stability) indicates that this missense variant is not expected to disrupt PALB2 protein function with a negative predictive value of 80%. In summary, the available evidence is currently insufficient to determine the role of this variant in disease. Therefore, it has been classified as a Variant of Uncertain Significance.

Myriad Genetics, Inc.
Classification: Likely benign for Familial cancer of breast. Last evaluated: 2025-04-17. Review status: criteria provided, single submitter. Criteria: Myriad Autosomal Dominant, Autosomal Recessive and X-Linked Classification Criteria (2023). Collection method: clinical testing. Allele origin: unknown.
Comment: This variant is considered likely benign. This variant is strongly associated with less severe personal and family histories of cancer, typical for individuals without pathogenic variants in this gene [PMID: 25085752].

Baylor Genetics
Classification: Uncertain significance for Familial cancer of breast. Last evaluated: 2024-03-15. Review status: criteria provided, single submitter. Criteria: ACMG Guidelines, 2015. Collection method: clinical testing. Allele origin: unknown.

Color Diagnostics, LLC DBA Color Health
Classification: Uncertain significance for Hereditary cancer-predisposing syndrome. Last evaluated: 2023-12-05. Review status: criteria provided, single submitter. Criteria: ACMG Guidelines, 2015. Collection method: clinical testing. Allele origin: germline.
Comment: This missense variant replaces serine with alanine at codon 640 of the PALB2 protein. Computational prediction suggests that this variant may not impact protein structure and function (internally defined REVEL score threshold <= 0.5, PMID: 27666373). To our knowledge, functional studies have not been reported for this variant. This variant has not been reported in individuals affected with PALB2-related disorders in the literature. This variant has been identified in 1/250652 chromosomes in the general population by the Genome Aggregation Database (gnomAD). The available evidence is insufficient to determine the role of this variant in disease conclusively. Therefore, this variant is classified as a Variant of Uncertain Significance.

Women's Health and Genetics/Laboratory Corporation of America, LabCorp
Classification: Uncertain significance. Last evaluated: 2022-12-11. Review status: criteria provided, single submitter. Criteria: LabCorp Variant Classification Summary - May 2015. Collection method: clinical testing. Allele origin: germline.

Fulgent Genetics
Classification: Uncertain significance for Familial cancer of breast; Fanconi anemia complementation group N; Pancreatic cancer, susceptibility to, 3. Last evaluated: 2021-08-16. Review status: criteria provided, single submitter. Criteria: ACMG Guidelines, 2015. Collection method: clinical testing. Allele origin: unknown.

Literature cited by the submitters: PubMed 25085752 (cited by Myriad Genetics, Inc.).